The following is an entry in ClinVar:

ClinVar aggregate classification (germline): Pathogenic/Likely pathogenic. Review status: criteria provided, multiple submitters, no conflicts (2 of 4 stars). 2 submissions from 2 submitters: Pathogenic (1); Likely pathogenic (1). Last evaluated 2022-12-15.

Conditions:
Developmental and epileptic encephalopathy, 9 (DEE9). Also called: Early infantile epileptic encephalopathy 9; EPILEPSY, FEMALE-RESTRICTED, WITH MENTAL RETARDATION; JUBERG-HELLMAN SYNDROME; PCDH19-Related X-Linked Female-Limited Epilepsy with Mental Retardation. Identifiers: Orphanet 101039, Orphanet 2076, MedGen C1848137, MONDO:0010246, OMIM 300088. Disease mechanism: loss of function.

Submissions (2):

Labcorp Genetics (formerly Invitae), Labcorp
Classification: Pathogenic for Developmental and epileptic encephalopathy, 9. Last evaluated: 2022-12-15. Review status: criteria provided, single submitter. Criteria: Invitae Variant Classification Sherloc (09022015). Collection method: clinical testing. Allele origin: germline.
Comment: For these reasons, this variant has been classified as Pathogenic. Algorithms developed to predict the effect of sequence changes on RNA splicing suggest that this variant may disrupt the consensus splice site. ClinVar contains an entry for this variant (Variation ID: 1801346). Disruption of this splice site has been observed in individuals with clinical features of PCDH19-related conditions (PMID: 27179713; Invitae). This variant is not present in population databases (gnomAD no frequency). This sequence change affects a donor splice site in intron 4 of the PCDH19 gene. It is expected to disrupt RNA splicing. Variants that disrupt the donor or acceptor splice site typically lead to a loss of protein function (PMID: 16199547), and loss-of-function variants in PCDH19 are known to be pathogenic (PMID: 21053371).

Institute of Human Genetics, Clinical Exome/Genome Diagnostics Group, University Hospital Bonn
Classification: Likely pathogenic for Developmental and epileptic encephalopathy, 9. Last evaluated: 2020-11-06. Review status: criteria provided, single submitter. Criteria: ACMG Guidelines, 2015. Collection method: clinical testing. Allele origin: germline. Affected: yes.

Literature cited by the submitters: PubMed 27179713 (cited by Labcorp Genetics (formerly Invitae), Labcorp); PubMed 16199547 (cited by Labcorp Genetics (formerly Invitae), Labcorp); PubMed 21053371 (cited by Labcorp Genetics (formerly Invitae), Labcorp).

NM_001184880.2(PCDH19):c.2675+1G>T

Gene: PCDH19 (protocadherin 19; minus strand). Cytogenetic location: Xq22.1.
Variant type: single nucleotide variant.
Coding change: c.2675+1G>T on transcript NM_001184880.2 (MANE Select); the canonical splice donor site of the intron after coding-DNA position 2675, G replaced by T.
Molecular consequence: splice donor variant.
Genome position (GRCh38, 1-based): chrX:100,350,645, C>A on the plus strand (G>T on the coding strand, the complement: PCDH19 is on the minus strand). VCF-style: chrX-100350645-C-A. GRCh37 (hg19) VCF-style: chrX-99605643-C-A.
Other names: c.2534+1G>T (NM_020766.3, NM_001105243.2).
Identifiers: ClinVar variation 1801346 (VCV001801346.4), dbSNP rs2520722295, ClinGen allele CA414001015.
Genomic context (GRCh38, chrX:100,350,645, plus strand): 5'-GTTTTGCTTTTTAATGTTAAATCAAGCTTAGTTGCAGCAATAAGCAAGCAAACCAACATA[C>A]CTCTTGATTAAATGGGCTCGGCTATTCACGTAGTTGGAGTCAAAAGAATAGTTTTCAGTC-3'